The following is an entry in ClinVar:

NM_173500.4(TTBK2):c.1157T>G (p.Met386Arg)

Gene: TTBK2 (tau tubulin kinase 2; minus strand). Cytogenetic location: 15q15.2.
Variant type: single nucleotide variant.
Coding change: c.1157T>G on transcript NM_173500.4 (MANE Select); coding-DNA position 1157, T replaced by G.
Protein change: p.Met386Arg; replaces methionine 386 with arginine.
Molecular consequence: missense variant.
Genome position (GRCh38, 1-based): chr15:42,783,459, A>C on the plus strand (T>G on the coding strand, the complement: TTBK2 is on the minus strand). VCF-style: chr15-42783459-A-C. GRCh37 (hg19) VCF-style: chr15-43075657-A-C.
Other names: short protein forms M386R.
Identifiers: ClinVar variation 2738250 (VCV002738250.3), dbSNP rs547332107, ClinGen allele CA392020023.

ClinVar aggregate classification (germline): Uncertain significance (1 of 4 stars; one submission).

gnomAD v4.1: 1 of 1,614,148 alleles (0.000062%); highest among the groups gnomAD compares: African/African-American, 0.0013%; no homozygotes.

Submission:

Labcorp Genetics (formerly Invitae), Labcorp
Classification: Uncertain significance. Last evaluated: 2023-07-20. Review status: criteria provided, single submitter. Criteria: Invitae Variant Classification Sherloc (09022015). Collection method: clinical testing. Allele origin: germline.
Comment: This sequence change replaces methionine, which is neutral and non-polar, with arginine, which is basic and polar, at codon 386 of the TTBK2 protein (p.Met386Arg). This variant is not present in population databases (gnomAD no frequency). This variant has not been reported in the literature in individuals affected with TTBK2-related conditions. Advanced modeling of protein sequence and biophysical properties (such as structural, functional, and spatial information, amino acid conservation, physicochemical variation, residue mobility, and thermodynamic stability) performed at Invitae indicates that this missense variant is not expected to disrupt TTBK2 protein function. In summary, the available evidence is currently insufficient to determine the role of this variant in disease. Therefore, it has been classified as a Variant of Uncertain Significance.